The following is an entry in ClinVar:

ClinVar aggregate classification (germline): Likely benign. Review status: criteria provided, multiple submitters, no conflicts (2 of 4 stars). 2 submissions from 2 submitters: Likely benign (2). Last evaluated 2023-04-03.

Conditions:
Cardiomyopathy (CMYO). Also called: Cardiomyopathies. Identifiers: Orphanet 167848, MedGen C0878544, MONDO:0004994, HP:0001638. Inheritance: Various modes of inheritance.
Hypertrophic cardiomyopathy. Also called: HYPERTROPHIC MYOCARDIOPATHY. Identifiers: Orphanet 217569, MedGen C0007194, MeSH D002312, MONDO:0005045, HP:0001639.

Allele frequency attached by ClinVar (database versions not stated): gnomAD exomes below 0.00001; TOPMed below 0.00001; ExAC 0.00001; gnomAD 0.00001; 1000 Genomes Project 30x 0.00016; 1000 Genomes Project 0.00020.
gnomAD v4.1: 1 of 1,614,252 alleles (0.000062%); highest among the groups gnomAD compares: East Asian, 0.0022%; no homozygotes.

Submissions (2):

All of Us Research Program, National Institutes of Health
Classification: Likely benign for Cardiomyopathy. Last evaluated: 2023-04-03. Review status: criteria provided, single submitter. Criteria: ACMG Guidelines, 2015. Collection method: clinical testing. Allele origin: germline. Inheritance: Autosomal dominant inheritance. Observed: 1 variant allele, 1 heterozygote.
Comment: This study involves interpretation of variants in research participants for the purpose of population health screening. Participant phenotype was not available at the time of variant classification. Additional details can be found in publication PMID: 35346344, PMCID: PMC8962531

Labcorp Genetics (formerly Invitae), Labcorp
Classification: Likely benign for Hypertrophic cardiomyopathy. Last evaluated: 2021-07-26. Review status: criteria provided, single submitter. Criteria: Invitae Variant Classification Sherloc (09022015). Collection method: clinical testing. Allele origin: germline.

NM_000257.4(MYH7):c.5656-10C>T

Gene: MYH7 (myosin heavy chain 7; minus strand). Cytogenetic location: 14q11.2.
Variant type: single nucleotide variant.
Coding change: c.5656-10C>T on transcript NM_000257.4 (MANE Select); 10 bases into the intron before coding-DNA position 5656, C replaced by T.
Molecular consequence: intron variant.
Genome position (GRCh38, 1-based): chr14:23,413,903, G>A on the plus strand (C>T on the coding strand, the complement: MYH7 is on the minus strand). VCF-style: chr14-23413903-G-A. GRCh37 (hg19) VCF-style: chr14-23883112-G-A.
Identifiers: ClinVar variation 1573912 (VCV001573912.9), dbSNP rs199651194, ClinGen allele CA047790.